The following is an entry in ClinVar:

NM_015175.3(NBEAL2):c.2954G>A (p.Arg985Gln)

Gene: NBEAL2 (neurobeachin like 2; plus strand). Cytogenetic location: 3p21.31.
Variant type: single nucleotide variant.
Coding change: c.2954G>A on transcript NM_015175.3 (MANE Select); coding-DNA position 2954, G replaced by A.
Protein change: p.Arg985Gln; replaces arginine 985 with glutamine.
Molecular consequence: missense variant.
Genome position (GRCh38, 1-based): chr3:46,997,690, G>A. VCF-style: chr3-46997690-G-A. GRCh37 (hg19) VCF-style: chr3-47039180-G-A.
Other names: c.2852G>A, p.Arg951Gln (NM_001365116.2); short protein forms R951Q, R985Q.
Identifiers: ClinVar variation 1801039 (VCV001801039.1), dbSNP rs770873276, ClinGen allele CA2360782.

ClinVar aggregate classification (germline): Uncertain significance (1 of 4 stars; one submission).

Allele frequency attached by ClinVar (database versions not stated): gnomAD 0.00001; gnomAD exomes 0.00001; TOPMed 0.00001; ExAC 0.00002.

Submission:

GeneDx
Classification: Uncertain significance. Last evaluated: 2022-05-24. Review status: criteria provided, single submitter. Criteria: GeneDx Variant Classification Process June 2021. Collection method: clinical testing. Allele origin: germline. Affected: yes.
Comment: Not observed at significant frequency in large population cohorts (gnomAD); In silico analysis supports that this missense variant does not alter protein structure/function; Has not been previously published as pathogenic or benign to our knowledge